The following is an entry in ClinVar:

NM_022552.5(DNMT3A):c.158G>A (p.Arg53Lys)

Gene: DNMT3A (DNA methyltransferase 3 alpha; minus strand). Cytogenetic location: 2p23.3.
Variant type: single nucleotide variant.
Coding change: c.158G>A on transcript NM_022552.5 (MANE Select); coding-DNA position 158, G replaced by A.
Protein change: p.Arg53Lys; replaces arginine 53 with lysine.
Molecular consequence: missense variant. On other transcripts: non-coding transcript variant (1).
Genome position (GRCh38, 1-based): chr2:25,300,158, C>T on the plus strand (G>A on the coding strand, the complement: DNMT3A is on the minus strand). VCF-style: chr2-25300158-C-T. GRCh37 (hg19) VCF-style: chr2-25523027-C-T.
Other names: c.158G>A, p.Arg53Lys (NM_001320892.2, NM_175629.2, NM_175630.1); short protein forms R53K.
Identifiers: ClinVar variation 2850885 (VCV002850885.3), dbSNP rs2465902702, ClinGen allele CA346251615.

ClinVar aggregate classification (germline): Uncertain significance (1 of 4 stars; one submission).

Conditions:
Tatton-Brown-Rahman overgrowth syndrome. Also called: Tatton-Brown-Rahman syndrome; Tall stature-intellectual disability-facial dysmorphism syndrome. Identifiers: Orphanet 404443, MedGen C4014545, MONDO:0014382, OMIM 615879.

Submission:

Labcorp Genetics (formerly Invitae), Labcorp
Classification: Uncertain significance for Tatton-Brown-Rahman overgrowth syndrome. Last evaluated: 2023-05-23. Review status: criteria provided, single submitter. Criteria: Invitae Variant Classification Sherloc (09022015). Collection method: clinical testing. Allele origin: germline.
Comment: In summary, the available evidence is currently insufficient to determine the role of this variant in disease. Therefore, it has been classified as a Variant of Uncertain Significance. An algorithm developed to predict the effect of missense changes on protein structure and function (PolyPhen-2) suggests that this variant is likely to be tolerated. This variant has not been reported in the literature in individuals affected with DNMT3A-related conditions. This variant is not present in population databases (gnomAD no frequency). This sequence change replaces arginine, which is basic and polar, with lysine, which is basic and polar, at codon 53 of the DNMT3A protein (p.Arg53Lys).